The following is an entry in ClinVar:

ClinVar aggregate classification (germline): Uncertain significance (1 of 4 stars; one submission).

Submission:

Ambry Genetics
Classification: Uncertain significance. Last evaluated: 2023-09-14. Review status: criteria provided, single submitter. Criteria: Ambry Variant Classification Scheme 2023. Collection method: clinical testing. Allele origin: germline.
Comment: The p.T293A variant (also known as c.877A>G), located in coding exon 10 of the NPAT gene, results from an A to G substitution at nucleotide position 877. The threonine at codon 293 is replaced by alanine, an amino acid with similar properties. This amino acid position is conserved. In addition, this alteration is predicted to be tolerated by in silico analysis. Since supporting evidence is limited at this time, the clinical significance of this alteration remains unclear.

NM_002519.3(NPAT):c.877A>G (p.Thr293Ala)

Gene: NPAT (nuclear protein, coactivator of histone transcription; minus strand). Cytogenetic location: 11q22.3.
Variant type: single nucleotide variant.
Coding change: c.877A>G on transcript NM_002519.3 (MANE Select); coding-DNA position 877, A replaced by G.
Protein change: p.Thr293Ala; replaces threonine 293 with alanine.
Molecular consequence: missense variant.
Genome position (GRCh38, 1-based): chr11:108,185,261, T>C on the plus strand (A>G on the coding strand, the complement: NPAT is on the minus strand). VCF-style: chr11-108185261-T-C. GRCh37 (hg19) VCF-style: chr11-108055988-T-C.
Other names: c.877A>G, p.Thr293Ala (NM_001321307.1); short protein forms T293A.
Identifiers: ClinVar variation 2624984 (VCV002624984.2), dbSNP rs2496737581, ClinGen allele CA382519826.